The following is an entry in ClinVar:

ClinVar aggregate classification (germline): Likely benign (0 of 4 stars; one submission).

Conditions:
SMURF2-related disorder. Also called: SMURF2-related condition.

Allele frequency attached by ClinVar (database versions not stated): ExAC 0.00007; ESP Exome Variant Server 0.00008; TOPMed 0.00017; gnomAD exomes 0.00022.
gnomAD v4.1: 344 of 1,613,722 alleles (0.021%); highest among the groups gnomAD compares: Non-Finnish European, 0.028%; no homozygotes.

Submission:

PreventionGenetics, part of Exact Sciences
Classification: Likely benign for SMURF2-related condition. Last evaluated: 2020-01-14. Review status: no assertion criteria provided. Collection method: clinical testing. Allele origin: germline.
Comment: This variant is classified as likely benign based on ACMG/AMP sequence variant interpretation guidelines (Richards et al. 2015 PMID: 25741868, with internal and published modifications).

NM_022739.4(SMURF2):c.504C>T (p.Thr168=)

Gene: SMURF2 (SMAD specific E3 ubiquitin protein ligase 2; minus strand). Cytogenetic location: 17q23.3.
Variant type: single nucleotide variant.
Coding change: c.504C>T on transcript NM_022739.4 (MANE Select); coding-DNA position 504, C replaced by T.
Protein change: p.Thr168=; no amino-acid change (threonine 168 retained).
Molecular consequence: synonymous variant.
Genome position (GRCh38, 1-based): chr17:64,583,526, G>A on the plus strand (C>T on the coding strand, the complement: SMURF2 is on the minus strand). VCF-style: chr17-64583526-G-A. GRCh37 (hg19) VCF-style: chr17-62579644-G-A.
Identifiers: ClinVar variation 3052202 (VCV003052202.2), dbSNP rs200706492, ClinGen allele CA8715116.
Genomic context (GRCh38, chr17:64,583,526, plus strand): 5'-TGGGCGCTCCCATTGCGTAGTTCTTGTTATATGGTTTAGATACTGGATTCTTCCAGAGGC[G>A]GTTCTCCTTTCTTCCCAGCTTAAATAAAAATATTGAGTGATAAGGCATTAATAGGAAACT-3'
Protein context (NP_073576.1, residues 158-178): DLPDGWEERR[Thr168=]ASGRIQYLNH